The following is an entry in ClinVar:

ClinVar aggregate classification (germline): Benign (1 of 4 stars; one submission).

Submission:

Mayo Clinic Laboratories, Mayo Clinic
Classification: Benign. Last evaluated: 2024-12-26. Review status: criteria provided, single submitter. Criteria: ACMG Guidelines, 2015. Collection method: clinical testing. Allele origin: germline. Observed: 3 variant alleles.
Comment: BS1, BS2, BP4, BP7

NM_201280.3(BLOC1S5):c.385-10C>A

Genes: EEF1E1-BLOC1S5 (EEF1E1-BLOC1S5 readthrough (NMD candidate); minus strand), BLOC1S5 (biogenesis of lysosomal organelles complex 1 subunit 5; minus strand), BLOC1S5-TXNDC5 (BLOC1S5-TXNDC5 readthrough (NMD candidate); minus strand). Cytogenetic location: 6p24.3.
Variant type: single nucleotide variant.
Coding change: c.385-10C>A on transcript NM_201280.3 (MANE Select); 10 bases into the intron before coding-DNA position 385, C replaced by A.
Molecular consequence: intron variant.
Genome position (GRCh38, 1-based): chr6:8,015,838, G>T on the plus strand (C>A on the coding strand, the complement: BLOC1S5 is on the minus strand). VCF-style: chr6-8015838-G-T. GRCh37 (hg19) VCF-style: chr6-8016071-G-T.
Other names: p.?; c.255-10C>A (NM_001199323.1); c.193-10C>A (NM_001199322.1).
Identifiers: ClinVar variation 4684902 (VCV004684902.1).